The following is an entry in ClinVar:

ClinVar aggregate classification (germline): Uncertain significance (1 of 4 stars; one submission).

Conditions:
STAT3 gain of function. Identifiers: MedGen C4288261.
Hyper-IgE recurrent infection syndrome 1, autosomal dominant. Also called: JOB SYNDROME; Job's Syndrome; STAT3 Hyper IgE Syndrome; Hyper-IgE recurrent infection syndrome 1; HYPER-IgE SYNDROME 1, AUTOSOMAL DOMINANT, WITH RECURRENT INFECTIONS. Identifiers: Orphanet 2314, MedGen C2936739, MONDO:0007818, OMIM 147060.

Submission:

Labcorp Genetics (formerly Invitae), Labcorp
Classification: Uncertain significance for STAT3 gain of function; Hyper-IgE recurrent infection syndrome 1, autosomal dominant. Last evaluated: 2025-06-30. Review status: criteria provided, single submitter. Criteria: Invitae Variant Classification Sherloc (09022015). Collection method: clinical testing. Allele origin: germline.
Comment: This sequence change replaces aspartic acid, which is acidic and polar, with glycine, which is neutral and non-polar, at codon 170 of the STAT3 protein (p.Asp170Gly). This variant is not present in population databases (gnomAD no frequency). This variant has not been reported in the literature in individuals affected with STAT3-related conditions. Invitae Evidence Modeling of protein sequence and biophysical properties (such as structural, functional, and spatial information, amino acid conservation, physicochemical variation, residue mobility, and thermodynamic stability) indicates that this missense variant is not expected to disrupt STAT3 protein function with a negative predictive value of 80%. In summary, the available evidence is currently insufficient to determine the role of this variant in disease. Therefore, it has been classified as a Variant of Uncertain Significance.

NM_139276.3(STAT3):c.509A>G (p.Asp170Gly)

Gene: STAT3 (signal transducer and activator of transcription 3; minus strand). Cytogenetic location: 17q21.2.
Variant type: single nucleotide variant.
Coding change: c.509A>G on transcript NM_139276.3 (MANE Select); coding-DNA position 509, A replaced by G.
Protein change: p.Asp170Gly; replaces aspartic acid 170 with glycine.
Molecular consequence: missense variant.
Genome position (GRCh38, 1-based): chr17:42,338,772, T>C on the plus strand (A>G on the coding strand, the complement: STAT3 is on the minus strand). VCF-style: chr17-42338772-T-C. GRCh37 (hg19) VCF-style: chr17-40490790-T-C.
Other names: c.509A>G, p.Asp170Gly (NM_001369517.1, NM_001369518.1, NM_001369519.1 and 15 more transcripts); c.431A>G, p.Asp144Gly (NM_001384985.1); c.413A>G, p.Asp138Gly (NM_001384989.1); short protein forms D144G, D170G, D138G.
Identifiers: ClinVar variation 4782884 (VCV004782884.1).